The following is an entry in ClinVar:

NM_005247.4(FGF3):c.411G>A (p.Val137=)

Gene: FGF3 (fibroblast growth factor 3; minus strand). Cytogenetic location: 11q13.3.
Variant type: single nucleotide variant.
Coding change: c.411G>A on transcript NM_005247.4 (MANE Select); coding-DNA position 411, G replaced by A.
Protein change: p.Val137=; no amino-acid change (valine 137 retained).
Molecular consequence: synonymous variant.
Genome position (GRCh38, 1-based): chr11:69,810,614, C>T on the plus strand (G>A on the coding strand, the complement: FGF3 is on the minus strand). VCF-style: chr11-69810614-C-T. GRCh37 (hg19) VCF-style: chr11-69625382-C-T.
Identifiers: ClinVar variation 2119446 (VCV002119446.28), dbSNP rs1350660934, ClinGen allele CA475468135.

ClinVar aggregate classification (germline): Likely benign. Review status: criteria provided, multiple submitters, no conflicts (2 of 4 stars). 2 submissions from 2 submitters: Likely benign (2). Last evaluated 2022-09-01.

Allele frequency attached by ClinVar (database versions not stated): gnomAD exomes below 0.00001; TOPMed 0.00002.
gnomAD v4.1: 1 of 1,609,498 alleles (0.000062%); highest among the groups gnomAD compares: Non-Finnish European, 0.000085%; no homozygotes.

Submissions (2):

CeGaT Center for Human Genetics Tuebingen
Classification: Likely benign. Last evaluated: 2022-09-01. Review status: criteria provided, single submitter. Criteria: CeGaT Center For Human Genetics Tuebingen Variant Classification Criteria Version 2. Collection method: clinical testing. Allele origin: germline. Affected: yes. Observed: 1 variant allele.
Comment: FGF3: PM2:Supporting, BP4, BP7

Labcorp Genetics (formerly Invitae), Labcorp
Classification: Likely benign. Last evaluated: 2022-03-29. Review status: criteria provided, single submitter. Criteria: Invitae Variant Classification Sherloc (09022015). Collection method: clinical testing. Allele origin: germline.